The following is an entry in ClinVar:

NM_025144.4(ALPK1):c.3568A>G (p.Ile1190Val)

Gene: ALPK1 (alpha kinase 1; plus strand). Cytogenetic location: 4q25.
Variant type: single nucleotide variant.
Coding change: c.3568A>G on transcript NM_025144.4 (MANE Select); coding-DNA position 3568, A replaced by G.
Protein change: p.Ile1190Val; replaces isoleucine 1190 with valine.
Molecular consequence: missense variant.
Genome position (GRCh38, 1-based): chr4:112,440,946, A>G. VCF-style: chr4-112440946-A-G. GRCh37 (hg19) VCF-style: chr4-113362102-A-G.
Other names: c.3568A>G, p.Ile1190Val (NM_001102406.2); c.3334A>G, p.Ile1112Val (NM_001253884.2); short protein forms I1112V, I1190V.
Identifiers: ClinVar variation 2789453 (VCV002789453.3), dbSNP rs1281575574, ClinGen allele CA357911847.

ClinVar aggregate classification (germline): Uncertain significance (1 of 4 stars; one submission).

gnomAD v4.1: 2 of 1,613,626 alleles (0.00012%); highest among the groups gnomAD compares: Admixed American, 0.0017%; no homozygotes.

Submission:

Labcorp Genetics (formerly Invitae), Labcorp
Classification: Uncertain significance. Last evaluated: 2023-11-12. Review status: criteria provided, single submitter. Criteria: Invitae Variant Classification Sherloc (09022015). Collection method: clinical testing. Allele origin: germline.
Comment: This sequence change replaces isoleucine, which is neutral and non-polar, with valine, which is neutral and non-polar, at codon 1190 of the ALPK1 protein (p.Ile1190Val). This variant is not present in population databases (gnomAD no frequency). This variant has not been reported in the literature in individuals affected with ALPK1-related conditions. An algorithm developed to predict the effect of missense changes on protein structure and function (PolyPhen-2) suggests that this variant is likely to be disruptive. In summary, the available evidence is currently insufficient to determine the role of this variant in disease. Therefore, it has been classified as a Variant of Uncertain Significance.